The following is an entry in ClinVar:

ClinVar aggregate classification (germline): Uncertain significance (1 of 4 stars; one submission).

Conditions:
Ataxia-telangiectasia syndrome (AT). Also called: Ataxia-telangiectasia, complementation group D; AT, COMPLEMENTATION GROUP C; ATAXIA-TELANGIECTASIA, COMPLEMENTATION GROUP A; ATAXIA-TELANGIECTASIA, FRESNO VARIANT; Ataxia-telangiectasia, complementation group E; LOUIS-BAR SYNDROME. Identifiers: Orphanet 100, MedGen C0004135, MONDO:0008840, OMIM 208900.

Submission:

Labcorp Genetics (formerly Invitae), Labcorp
Classification: Uncertain significance for Ataxia-telangiectasia syndrome. Last evaluated: 2022-04-09. Review status: criteria provided, single submitter. Criteria: Invitae Variant Classification Sherloc (09022015). Collection method: clinical testing. Allele origin: germline.
Comment: This sequence change replaces serine, which is neutral and polar, with cysteine, which is neutral and slightly polar, at codon 2941 of the ATM protein (p.Ser2941Cys). This variant is not present in population databases (gnomAD no frequency). This variant has not been reported in the literature in individuals affected with ATM-related conditions. Advanced modeling of protein sequence and biophysical properties (such as structural, functional, and spatial information, amino acid conservation, physicochemical variation, residue mobility, and thermodynamic stability) performed at Invitae indicates that this missense variant is expected to disrupt ATM protein function. In summary, the available evidence is currently insufficient to determine the role of this variant in disease. Therefore, it has been classified as a Variant of Uncertain Significance.

NM_000051.4(ATM):c.8822C>G (p.Ser2941Cys)

Genes: ATM (ATM serine/threonine kinase; plus strand), C11orf65 (chromosome 11 open reading frame 65; minus strand). Cytogenetic location: 11q22.3.
Variant type: single nucleotide variant.
Coding change: c.8822C>G on transcript NM_000051.4 (MANE Select); coding-DNA position 8822, C replaced by G.
Protein change: p.Ser2941Cys; replaces serine 2941 with cysteine.
Molecular consequence: missense variant. On other transcripts: intron variant (2).
Genome position (GRCh38, 1-based): chr11:108,354,846, C>G. VCF-style: chr11-108354846-C-G. GRCh37 (hg19) VCF-style: chr11-108225573-C-G.
Other names: c.8822C>G, p.Ser2941Cys (NM_001351834.2); c.640+31074G>C (NM_001330368.2); c.695-19554G>C (NM_001351110.2); short protein forms S2941C.
Identifiers: ClinVar variation 1940631 (VCV001940631.4), dbSNP rs1591314282, ClinGen allele CA382525891.